The following is an entry in ClinVar:

ClinVar aggregate classification (germline): Uncertain significance. Review status: criteria provided, multiple submitters, no conflicts (2 of 4 stars). 2 submissions from 2 submitters: Uncertain significance (2). Last evaluated 2024-11-27.

Conditions:
Inborn genetic diseases. Identifiers: MedGen C0950123, MeSH D030342.

Allele frequency attached by ClinVar (database versions not stated): gnomAD exomes below 0.00001 and 0.00001; ExAC 0.00001; gnomAD 0.00001 and 0.00002; TOPMed 0.00001; 1000 Genomes Project 30x 0.00016; 1000 Genomes Project 0.00020.
gnomAD v4.1: 6 of 1,614,242 alleles (0.00037%); highest among the groups gnomAD compares: East Asian, 0.0045%; no homozygotes.

Submissions (2):

Ambry Genetics
Classification: Uncertain significance for Inborn genetic diseases. Last evaluated: 2024-11-27. Review status: criteria provided, single submitter. Criteria: Ambry Variant Classification Scheme 2023. Collection method: clinical testing. Allele origin: germline.

GeneDx
Classification: Uncertain significance. Last evaluated: 2020-01-20. Review status: criteria provided, single submitter. Criteria: GeneDx Variant Classification Process June 2021. Collection method: clinical testing. Allele origin: germline. Affected: yes.
Comment: Not observed at a significant frequency in large population cohorts (Lek et al., 2016); In silico analysis, which includes protein predictors and evolutionary conservation, supports that this variant does not alter protein structure/function; Has not been previously published as pathogenic or benign to our knowledge

NM_017534.6(MYH2):c.151A>G (p.Thr51Ala)

Genes: MYH2 (myosin heavy chain 2; minus strand), MYHAS (myosin heavy chain gene cluster antisense RNA; plus strand). Cytogenetic location: 17p13.1.
Variant type: single nucleotide variant.
Coding change: c.151A>G on transcript NM_017534.6 (MANE Select); coding-DNA position 151, A replaced by G.
Protein change: p.Thr51Ala; replaces threonine 51 with alanine.
Molecular consequence: missense variant.
Genome position (GRCh38, 1-based): chr17:10,547,770, T>C on the plus strand (A>G on the coding strand, the complement: MYH2 is on the minus strand). VCF-style: chr17-10547770-T-C. GRCh37 (hg19) VCF-style: chr17-10451087-T-C.
Other names: c.151A>G, p.Thr51Ala (NM_001100112.2); short protein forms T51A.
Identifiers: ClinVar variation 1311976 (VCV001311976.3), dbSNP rs190103324, ClinGen allele CA8391724.
Genomic context (GRCh38, chr17:10,547,770, plus strand): 5'-TACTCACCGCTCCTCCCTCAGTCTTCACCGTCACTTTTCCTCCTTCTCTGCTCTGGATGG[T>C]CCCTTTGACAAAGGATTCTTTGGGCTCCGCCACAAAGACAGATGTTTTGGCATCAAAGGG-3'
Protein context (NP_060004.3, residues 41-61): AEPKESFVKG[Thr51Ala]IQSREGGKVT